The following is an entry in ClinVar:

NM_000038.6(APC):c.423-2364T>A

Gene: APC (APC regulator of WNT signaling pathway; plus strand). Cytogenetic location: 5q22.2.
Variant type: single nucleotide variant.
Coding change: c.423-2364T>A on transcript NM_000038.6 (MANE Select); 2364 bases into the intron before coding-DNA position 423, T replaced by A.
Molecular consequence: intron variant.
Genome position (GRCh38, 1-based): chr5:112,773,265, T>A. VCF-style: chr5-112773265-T-A. GRCh37 (hg19) VCF-style: chr5-112108962-T-A.
Other names: c.423-2364T>A (NM_001354895.2, NM_001127510.3, NM_001354896.2 and 2 more transcripts); c.453-2364T>A (NM_001354897.2, NM_001354902.2, NM_001127511.3); c.348-2364T>A (NM_001354898.2, NM_001354904.2); c.-613-2364T>A (NM_001354906.2); c.246-2364T>A (NM_001354900.2, NM_001354901.2, NM_001354905.2).
Identifiers: ClinVar variation 82899 (VCV000082899.2), dbSNP rs75582423, ClinGen allele CA009206.

ClinVar aggregate classification (germline): other (0 of 4 stars; one submission).

Conditions:
Familial colorectal cancer. Identifiers: MedGen CN280943, MONDO:0023113. Disease mechanism: loss of function.

Submission:

Systems Biology Platform Zhejiang California International NanoSystems Institute
Classification: other for Familial colorectal cancer. Review status: no assertion criteria provided. Collection method: not provided. Allele origin: unknown.
ClinVar note: Converted during submission from cancer to other.